The following is an entry in ClinVar:

ClinVar aggregate classification (germline): Pathogenic (1 of 4 stars; one submission).

Conditions:
Hereditary nonpolyposis colorectal neoplasms. Identifiers: MedGen C0009405, MeSH D003123.

Submission:

Labcorp Genetics (formerly Invitae), Labcorp
Classification: Pathogenic for Hereditary nonpolyposis colon cancer. Last evaluated: 2019-11-26. Review status: criteria provided, single submitter. Criteria: Invitae Variant Classification Sherloc (09022015). Collection method: clinical testing. Allele origin: germline.
Comment: A gross deletion of the genomic region encompassing the full coding sequence of the PMS2 gene has been identified. The boundaries of this event are unknown as the deletion extends beyond the assayed region for this gene and therefore may encompass additional genes. Whole gene deletions of PMS2 have been reported in individuals affected with Lynch syndrome (PMID: 20186688, 17453009, 16472587). Loss-of-function variants in PMS2 are known to be pathogenic (PMID: 21376568, 24362816). For these reasons, this variant has been classified as Pathogenic.

Literature cited by the submitters: PubMed 17453009; PubMed 20186688; PubMed 16472587.

NC_000007.14:g.(?_5986749)_(6009116_?)del

Gene: PMS2 (PMS1 homolog 2, mismatch repair system component; minus strand). Cytogenetic location: 7p22.1.
Variant type: Deletion.
Identifiers: ClinVar variation 832347 (VCV000832347.1).